The following is an entry in ClinVar:

NM_004393.6(DAG1):c.2201C>G (p.Thr734Arg)

Gene: DAG1 (dystroglycan 1; plus strand). Cytogenetic location: 3p21.31.
Variant type: single nucleotide variant.
Coding change: c.2201C>G on transcript NM_004393.6 (MANE Select); coding-DNA position 2201, C replaced by G.
Protein change: p.Thr734Arg; replaces threonine 734 with arginine.
Molecular consequence: missense variant.
Genome position (GRCh38, 1-based): chr3:49,532,712, C>G. VCF-style: chr3-49532712-C-G. GRCh37 (hg19) VCF-style: chr3-49570145-C-G.
Other names: c.2201C>G, p.Thr734Arg (NM_001165928.4, NM_001177634.3, NM_001177635.3 and 9 more transcripts); short protein forms T734R.
Identifiers: ClinVar variation 1354941 (VCV001354941.7), dbSNP rs940802757, ClinGen allele CA352797011.

ClinVar aggregate classification (germline): Uncertain significance (1 of 4 stars; one submission).

Conditions:
Autosomal recessive limb-girdle muscular dystrophy type 2P. Also called: Limb-Girdle Muscular Dystrophy Type 9C; MUSCULAR DYSTROPHY-DYSTROGLYCANOPATHY, LIMB-GIRDLE, DAG1-RELATED; MUSCULAR DYSTROPHY, LIMB-GIRDLE, TYPE 2P. Identifiers: Orphanet 280333, MedGen C4511963, MONDO:0013440, OMIM 613818.
Muscular dystrophy-dystroglycanopathy (congenital with brain and eye anomalies), type A9. Also called: WALKER-WARBURG SYNDROME OR MUSCLE-EYE BRAIN DISEASE, DAG1-RELATED; Muscular dystrophy-dystroglycanopathy (congenital with brain and eye anomalies), type a, 9. Identifiers: Orphanet 370997, Orphanet 899, MedGen C4225291, MONDO:0014683, OMIM 616538.

Allele frequency attached by ClinVar (database versions not stated): gnomAD 0.00001; TOPMed 0.00001; gnomAD exomes 0.00002.
gnomAD v4.1: 36 of 1,614,080 alleles (0.0022%); highest among the groups gnomAD compares: Admixed American, 0.0033%; no homozygotes.

Submission:

Labcorp Genetics (formerly Invitae), Labcorp
Classification: Uncertain significance for Autosomal recessive limb-girdle muscular dystrophy type 2P; Muscular dystrophy-dystroglycanopathy (congenital with brain and eye anomalies), type A9. Last evaluated: 2022-08-16. Review status: criteria provided, single submitter. Criteria: Invitae Variant Classification Sherloc (09022015). Collection method: clinical testing. Allele origin: germline.
Comment: In summary, the available evidence is currently insufficient to determine the role of this variant in disease. Therefore, it has been classified as a Variant of Uncertain Significance. Algorithms developed to predict the effect of missense changes on protein structure and function are either unavailable or do not agree on the potential impact of this missense change (SIFT: "Deleterious"; PolyPhen-2: "Probably Damaging"; Align-GVGD: "Class C0"). ClinVar contains an entry for this variant (Variation ID: 1354941). This variant has not been reported in the literature in individuals affected with DAG1-related conditions. This variant is present in population databases (no rsID available, gnomAD 0.003%). This sequence change replaces threonine, which is neutral and polar, with arginine, which is basic and polar, at codon 734 of the DAG1 protein (p.Thr734Arg).